The following is an entry in ClinVar:

ClinVar aggregate classification (germline): Conflicting classifications of pathogenicity. Review status: criteria provided, conflicting classifications (1 of 4 stars). 2 submissions from 2 submitters: Likely pathogenic (1); Uncertain significance (1). Last evaluated 2025-08-27.

Conditions:
Marfan syndrome (MFS). Also called: MARFAN SYNDROME, TYPE I; Marfan syndrome type 1; Marfan's syndrome; Marfan syndrome, classic; FBN1-Related Marfan Syndrome. Identifiers: Orphanet 284963, Orphanet 558, MedGen C0024796, MONDO:0007947, OMIM 154700.
Familial thoracic aortic aneurysm and aortic dissection (TAAD). Also called: Thoracic aortic aneurysms and dissections. Identifiers: Orphanet 91387, MedGen C4707243, MONDO:0019625.

Submissions (2):

Ambry Genetics
Classification: Likely pathogenic for Familial thoracic aortic aneurysm and aortic dissection. Last evaluated: 2025-08-27. Review status: criteria provided, single submitter. Criteria: Ambry Variant Classification Scheme 2023. Collection method: clinical testing. Allele origin: germline.
Comment: The c.8492T>A (p.I2831N) alteration is located in exon 66 (coding exon 65) of the FBN1 gene. This alteration results from a T to A substitution at nucleotide position 8492, causing the isoleucine (I) at amino acid position 2831 to be replaced by an asparagine (N). This variant was not reported in population-based cohorts in the Genome Aggregation Database (gnomAD). This amino acid position is highly conserved in available vertebrate species. This alteration is predicted to be deleterious by in silico analysis. Based on the available evidence, this alteration is classified as likely pathogenic.

Labcorp Genetics (formerly Invitae), Labcorp
Classification: Uncertain significance for Marfan syndrome; Familial thoracic aortic aneurysm and aortic dissection. Last evaluated: 2025-05-04. Review status: criteria provided, single submitter. Criteria: Invitae Variant Classification Sherloc (09022015). Collection method: clinical testing. Allele origin: germline.
Comment: This sequence change replaces isoleucine, which is neutral and non-polar, with asparagine, which is neutral and polar, at codon 2831 of the FBN1 protein (p.Ile2831Asn). This variant is not present in population databases (gnomAD no frequency). This missense change has been observed in individual(s) with clinical features of Marfan syndrome (internal data). Invitae Evidence Modeling of protein sequence and biophysical properties (such as structural, functional, and spatial information, amino acid conservation, physicochemical variation, residue mobility, and thermodynamic stability) indicates that this missense variant is expected to disrupt FBN1 protein function with a positive predictive value of 95%. In summary, the available evidence is currently insufficient to determine the role of this variant in disease. Therefore, it has been classified as a Variant of Uncertain Significance.

NM_000138.5(FBN1):c.8492T>A (p.Ile2831Asn)

Gene: FBN1 (fibrillin 1; minus strand). Cytogenetic location: 15q21.1.
Variant type: single nucleotide variant.
Coding change: c.8492T>A on transcript NM_000138.5 (MANE Select); coding-DNA position 8492, T replaced by A.
Protein change: p.Ile2831Asn; replaces isoleucine 2831 with asparagine.
Molecular consequence: missense variant.
Genome position (GRCh38, 1-based): chr15:48,411,114, A>T on the plus strand (T>A on the coding strand, the complement: FBN1 is on the minus strand). VCF-style: chr15-48411114-A-T. GRCh37 (hg19) VCF-style: chr15-48703311-A-T.
Other names: c.8492T>A, p.Ile2831Asn (NM_001406716.1); short protein forms I2831N.
Identifiers: ClinVar variation 4255469 (VCV004255469.2).